The following is an entry in ClinVar:

NM_017617.5(NOTCH1):c.5155G>A (p.Glu1719Lys)

Gene: NOTCH1 (notch receptor 1; minus strand). Cytogenetic location: 9q34.3.
Variant type: single nucleotide variant.
Coding change: c.5155G>A on transcript NM_017617.5 (MANE Select); coding-DNA position 5155, G replaced by A.
Protein change: p.Glu1719Lys; replaces glutamic acid 1719 with lysine.
Molecular consequence: missense variant.
Genome position (GRCh38, 1-based): chr9:136,503,194, C>T on the plus strand (G>A on the coding strand, the complement: NOTCH1 is on the minus strand). VCF-style: chr9-136503194-C-T. GRCh37 (hg19) VCF-style: chr9-139397646-C-T.
Other names: short protein forms E1719K.
Identifiers: ClinVar variation 1306111 (VCV001306111.10), dbSNP rs750085425, ClinGen allele CA5340434.

ClinVar aggregate classification (germline): Conflicting classifications of pathogenicity. Review status: criteria provided, conflicting classifications (1 of 4 stars). 4 submissions from 3 submitters: Uncertain significance (3); Likely benign (1). Last evaluated 2022-07-19.

Conditions:
Adams-Oliver syndrome 5 (AOS5). Identifiers: Orphanet 974, MedGen C4014970, MONDO:0014459, OMIM 616028.
Aortic valve disease 1 (AOVD1). Identifiers: MedGen C3887892, MONDO:0024523, OMIM 109730.

Allele frequency attached by ClinVar (database versions not stated): gnomAD exomes below 0.00001 and 0.00001; TOPMed below 0.00001; ExAC 0.00001.
gnomAD v4.1: 15 of 1,612,852 alleles (0.00093%); highest among the groups gnomAD compares: Non-Finnish European, 0.0012%; no homozygotes.

Submissions (4):

Labcorp Genetics (formerly Invitae), Labcorp
Classification: Likely benign for Adams-Oliver syndrome 5. Last evaluated: 2022-07-19. Review status: criteria provided, single submitter. Criteria: Invitae Variant Classification Sherloc (09022015). Collection method: clinical testing. Allele origin: germline.

Genome-Nilou Lab
Classification: Uncertain significance for Adams-Oliver syndrome 5. Last evaluated: 2022-03-15. Review status: criteria provided, single submitter. Criteria: ACMG Guidelines, 2015. Collection method: clinical testing. Allele origin: germline. Affected: no.

Genome-Nilou Lab
Classification: Uncertain significance for Aortic valve disease 1. Last evaluated: 2022-03-15. Review status: criteria provided, single submitter. Criteria: ACMG Guidelines, 2015. Collection method: clinical testing. Allele origin: germline. Affected: no.

GeneDx
Classification: Uncertain significance. Last evaluated: 2019-05-28. Review status: criteria provided, single submitter. Criteria: GeneDx Variant Classification Process June 2021. Collection method: clinical testing. Allele origin: germline. Affected: yes.
Comment: Has not been previously published as pathogenic or benign to our knowledge; Not observed at a significant frequency in large population cohorts (Lek et al., 2016); In silico analysis, which includes protein predictors and evolutionary conservation, supports that this variant does not alter protein structure/function